The following is an entry in ClinVar:

ClinVar aggregate classification (germline): Likely pathogenic. Review status: criteria provided, multiple submitters, no conflicts (2 of 4 stars). 2 submissions from 2 submitters: Likely pathogenic (2). Last evaluated 2024-11-06.

Conditions:
Inborn genetic diseases. Identifiers: MedGen C0950123, MeSH D030342.
Early-infantile DEE. Also called: Early infantile epileptic encephalopathy; Ohtahara syndrome; Early infantile epileptic encephalopathy with suppression bursts. Identifiers: Orphanet 1934, MedGen C0393706, MONDO:0800491.

Submissions (2):

Ambry Genetics
Classification: Likely pathogenic for Inborn genetic diseases. Last evaluated: 2024-11-06. Review status: criteria provided, single submitter. Criteria: Ambry Variant Classification Scheme 2023. Collection method: clinical testing. Allele origin: germline.
Comment: The c.680C>T (p.A227V) alteration is located in exon 4 (coding exon 4) of the KCNQ2 gene. This alteration results from a C to T substitution at nucleotide position 680, causing the alanine (A) at amino acid position 227 to be replaced by a valine (V). This variant was not reported in population-based cohorts in the Genome Aggregation Database (gnomAD). This variant was reported in an individual with features consistent with KCNQ2-related seizure disorder (external communication). This amino acid position is highly conserved in available vertebrate species. This missense alteration is located in a region that has a low rate of benign missense variation (Lek, 2016; Firth, 2009). This alteration is predicted to be deleterious by in silico analysis. Based on the available evidence, this alteration is classified as likely pathogenic.

Labcorp Genetics (formerly Invitae), Labcorp
Classification: Likely pathogenic for Early-infantile DEE. Last evaluated: 2021-03-09. Review status: criteria provided, single submitter. Criteria: Invitae Variant Classification Sherloc (09022015). Collection method: clinical testing. Allele origin: germline.
Comment: This sequence change replaces alanine with valine at codon 227 of the KCNQ2 protein (p.Ala227Val). The alanine residue is highly conserved and there is a small physicochemical difference between alanine and valine. This variant is not present in population databases (ExAC no frequency). This variant has been observed in individual(s) with clinical features of benign familial neonatal seizures and developmental and epileptic encephalopathy (Invitae). It has also been observed to segregate with disease in related individuals. Advanced modeling of protein sequence and biophysical properties (such as structural, functional, and spatial information, amino acid conservation, physicochemical variation, residue mobility, and thermodynamic stability) performed at Invitae indicates that this missense variant is expected to disrupt KCNQ2 protein function. In summary, the currently available evidence indicates that the variant is pathogenic, but additional data are needed to prove that conclusively. Therefore, this variant has been classified as Likely Pathogenic.

NM_172107.4(KCNQ2):c.680C>T (p.Ala227Val)

Gene: KCNQ2 (potassium voltage-gated channel subfamily Q member 2; minus strand). Cytogenetic location: 20q13.33.
Variant type: single nucleotide variant.
Coding change: c.680C>T on transcript NM_172107.4 (MANE Select); coding-DNA position 680, C replaced by T.
Protein change: p.Ala227Val; replaces alanine 227 with valine.
Molecular consequence: missense variant.
Genome position (GRCh38, 1-based): chr20:63,444,669, G>A on the plus strand (C>T on the coding strand, the complement: KCNQ2 is on the minus strand). VCF-style: chr20-63444669-G-A. GRCh37 (hg19) VCF-style: chr20-62076022-G-A.
Other names: c.680C>T (NM_172107.2); c.680C>T, p.Ala227Val (NM_001382235.1, NM_004518.6, NM_172106.3 and 2 more transcripts); short protein forms A227V.
Identifiers: ClinVar variation 1515195 (VCV001515195.10), dbSNP rs2145774563, ClinGen allele CA409654657.